The following is an entry in ClinVar:

NM_014956.5(CEP164):c.1380G>A (p.Gln460=)

Gene: CEP164 (centrosomal protein 164; plus strand). Cytogenetic location: 11q23.3.
Variant type: single nucleotide variant.
Coding change: c.1380G>A on transcript NM_014956.5 (MANE Select); coding-DNA position 1380, G replaced by A.
Protein change: p.Gln460=; no amino-acid change (glutamine 460 retained).
Molecular consequence: synonymous variant.
Genome position (GRCh38, 1-based): chr11:117,380,676, G>A. VCF-style: chr11-117380676-G-A. GRCh37 (hg19) VCF-style: chr11-117251392-G-A.
Other names: c.1380G>A (NM_014956.4); c.1380G>A, p.Gln460= (NM_001271933.2).
Identifiers: ClinVar variation 1628367 (VCV001628367.11), dbSNP rs559473249, ClinGen allele CA6294727.

ClinVar aggregate classification (germline): Likely benign. Review status: criteria provided, multiple submitters, no conflicts (2 of 4 stars). 4 submissions from 4 submitters: Likely benign (4). Last evaluated 2025-12-11.

Conditions:
CEP164-related disorder. Also called: CEP164-related condition.
Nephronophthisis 15 (NPHP15). Identifiers: Orphanet 3156, MedGen C3541853, MONDO:0013917, OMIM 614845.

Allele frequency attached by ClinVar (database versions not stated): gnomAD 0.00004 and 0.00005; TOPMed 0.00004; gnomAD exomes 0.00005 and 0.00013; ExAC 0.00018; 1000 Genomes Project 0.00020; 1000 Genomes Project 30x 0.00031.
gnomAD v4.1: 77 of 1,608,466 alleles (0.0048%); highest among the groups gnomAD compares: East Asian, 0.14%; no homozygotes.

Submissions (4):

Labcorp Genetics (formerly Invitae), Labcorp
Classification: Likely benign for Nephronophthisis 15. Last evaluated: 2025-12-11. Review status: criteria provided, single submitter. Criteria: Invitae Variant Classification Sherloc (09022015). Collection method: clinical testing. Allele origin: germline.

PreventionGenetics, part of Exact Sciences
Classification: Likely benign for CEP164-related condition. Last evaluated: 2025-11-25. Review status: criteria provided, single submitter. Criteria: ACMG Guidelines, 2015. Collection method: clinical testing. Allele origin: germline.
Comment: This variant is classified as likely benign based on ACMG/AMP sequence variant interpretation guidelines (Richards et al. 2015 PMID: 25741868, with internal and published modifications).

Blueprint Genetics
Classification: Likely benign. Last evaluated: 2024-04-29. Review status: criteria provided, single submitter. Criteria: ACMG Guidelines, 2015. Collection method: clinical testing. Allele origin: germline.

Fulgent Genetics
Classification: Likely benign for Nephronophthisis 15. Last evaluated: 2021-08-23. Review status: criteria provided, single submitter. Criteria: ACMG Guidelines, 2015. Collection method: clinical testing. Allele origin: unknown.